The following is an entry in ClinVar:

ClinVar aggregate classification (germline): Uncertain significance (1 of 4 stars; one submission).

Allele frequency attached by ClinVar (database versions not stated): TOPMed 0.00002; ExAC 0.00003; 1000 Genomes Project 0.00020; gnomAD 0.00002; 1000 Genomes Project 30x 0.00016.

Submission:

Labcorp Genetics (formerly Invitae), Labcorp
Classification: Uncertain significance. Last evaluated: 2022-04-12. Review status: criteria provided, single submitter. Criteria: Invitae Variant Classification Sherloc (09022015). Collection method: clinical testing. Allele origin: germline.
Comment: In summary, the available evidence is currently insufficient to determine the role of this variant in disease. Therefore, it has been classified as a Variant of Uncertain Significance. Algorithms developed to predict the effect of missense changes on protein structure and function output the following: SIFT: "Tolerated"; PolyPhen-2: "Benign"; Align-GVGD: "Class C0". The histidine amino acid residue is found in multiple mammalian species, which suggests that this missense change does not adversely affect protein function. This variant has not been reported in the literature in individuals affected with LSS-related conditions. This variant is present in population databases (rs188459967, gnomAD 0.004%). This sequence change replaces arginine, which is basic and polar, with histidine, which is basic and polar, at codon 294 of the LSS protein (p.Arg294His).

NM_002340.6(LSS):c.881G>A (p.Arg294His)

Gene: LSS (lanosterol synthase; minus strand). Cytogenetic location: 21q22.3.
Variant type: single nucleotide variant.
Coding change: c.881G>A on transcript NM_002340.6 (MANE Select); coding-DNA position 881, G replaced by A.
Protein change: p.Arg294His; replaces arginine 294 with histidine.
Molecular consequence: missense variant.
Genome position (GRCh38, 1-based): chr21:46,215,696, C>T on the plus strand (G>A on the coding strand, the complement: LSS is on the minus strand). VCF-style: chr21-46215696-C-T. GRCh37 (hg19) VCF-style: chr21-47635610-C-T.
Other names: c.881G>A, p.Arg294His (NM_001001438.3); c.848G>A, p.Arg283His (NM_001145436.2); c.641G>A, p.Arg214His (NM_001145437.2); short protein forms R283H, R294H, R214H.
Identifiers: ClinVar variation 2073358 (VCV002073358.4), dbSNP rs188459967, ClinGen allele CA10075288.